The following is an entry in ClinVar:

NM_198578.4(LRRK2):c.3001A>T (p.Ser1001Cys)

Gene: LRRK2 (leucine rich repeat kinase 2; plus strand). Cytogenetic location: 12q12.
Variant type: single nucleotide variant.
Coding change: c.3001A>T on transcript NM_198578.4 (MANE Select); coding-DNA position 3001, A replaced by T.
Protein change: p.Ser1001Cys; replaces serine 1001 with cysteine.
Molecular consequence: missense variant.
Genome position (GRCh38, 1-based): chr12:40,295,549, A>T. VCF-style: chr12-40295549-A-T. GRCh37 (hg19) VCF-style: chr12-40689351-A-T.
Other names: short protein forms S1001C.
Identifiers: ClinVar variation 3229584 (VCV003229584.1), dbSNP rs2499729013, ClinGen allele CA384412790.

ClinVar aggregate classification (germline): Uncertain significance (1 of 4 stars; one submission).

Conditions:
Inborn genetic diseases. Identifiers: MedGen C0950123, MeSH D030342.

Submission:

Ambry Genetics
Classification: Uncertain significance for Inborn genetic diseases. Last evaluated: 2023-12-08. Review status: criteria provided, single submitter. Criteria: Ambry Variant Classification Scheme 2023. Collection method: clinical testing. Allele origin: germline.
Comment: The p.S1001C variant (also known as c.3001A>T), located in coding exon 23 of the LRRK2 gene, results from an A to T substitution at nucleotide position 3001. The serine at codon 1001 is replaced by cysteine, an amino acid with dissimilar properties. This amino acid position is conserved. In addition, this alteration is predicted to be tolerated by in silico analysis. Since supporting evidence is limited at this time, the clinical significance of this alteration remains unclear.